The following is an entry in ClinVar:

NM_002185.5(IL7R):c.1372A>T (p.Asn458Tyr)

Gene: IL7R (interleukin 7 receptor; plus strand). Cytogenetic location: 5p13.2.
Variant type: single nucleotide variant.
Coding change: c.1372A>T on transcript NM_002185.5 (MANE Select); coding-DNA position 1372, A replaced by T.
Protein change: p.Asn458Tyr; replaces asparagine 458 with tyrosine.
Molecular consequence: missense variant. On other transcripts: 3 prime UTR variant (1), non-coding transcript variant (1).
Genome position (GRCh38, 1-based): chr5:35,876,478, A>T. VCF-style: chr5-35876478-A-T. GRCh37 (hg19) VCF-style: chr5-35876580-A-T.
Other names: c.*489A>T (NM_001410734.1); short protein forms N458Y.
Identifiers: ClinVar variation 2809294 (VCV002809294.3), dbSNP rs1377872765, ClinGen allele CA359434060.

ClinVar aggregate classification (germline): Uncertain significance (1 of 4 stars; one submission).

Conditions:
Immunodeficiency 104. Also called: Severe combined immunodeficiency, autosomal recessive, T cell-negative, B cell-positive, NK cell-positive; SCID, AUTOSOMAL RECESSIVE, T CELL-NEGATIVE, B CELL-POSITIVE, NK CELL-POSITIVE; Severe Combined Immune Deficiency, Autosomal Recessive, TCell -Negative, B Cell-Positive, NK Cell-Positive, IL7R-Related; IMMUNODEFICIENCY 104, SEVERE COMBINED. Identifiers: MedGen C5676890, MONDO:0012163, OMIM 608971.

Allele frequency attached by ClinVar (database versions not stated): gnomAD exomes below 0.00001.
gnomAD v4.1: 1 of 1,602,298 alleles (0.000062%); highest among the groups gnomAD compares: Non-Finnish European, 0.000085%; no homozygotes.

Submission:

Labcorp Genetics (formerly Invitae), Labcorp
Classification: Uncertain significance for Immunodeficiency 104. Last evaluated: 2023-04-07. Review status: criteria provided, single submitter. Criteria: Invitae Variant Classification Sherloc (09022015). Collection method: clinical testing. Allele origin: germline.
Comment: In summary, the available evidence is currently insufficient to determine the role of this variant in disease. Therefore, it has been classified as a Variant of Uncertain Significance. Advanced modeling of protein sequence and biophysical properties (such as structural, functional, and spatial information, amino acid conservation, physicochemical variation, residue mobility, and thermodynamic stability) performed at Invitae indicates that this missense variant is expected to disrupt IL7R protein function. This variant has not been reported in the literature in individuals affected with IL7R-related conditions. This variant is present in population databases (no rsID available, gnomAD 0.0009%). This sequence change replaces asparagine, which is neutral and polar, with tyrosine, which is neutral and polar, at codon 458 of the IL7R protein (p.Asn458Tyr).